The following is an entry in ClinVar:

ClinVar aggregate classification (germline): Uncertain significance (1 of 4 stars; one submission).

Allele frequency attached by ClinVar (database versions not stated): gnomAD 0.00001; TOPMed 0.00001.
gnomAD v4.1: 1 of 1,613,996 alleles (0.000062%); highest among the groups gnomAD compares: African/African-American, 0.0013%; no homozygotes.

Submission:

Labcorp Genetics (formerly Invitae), Labcorp
Classification: Uncertain significance. Last evaluated: 2024-12-09. Review status: criteria provided, single submitter. Criteria: Invitae Variant Classification Sherloc (09022015). Collection method: clinical testing. Allele origin: germline.
Comment: This sequence change replaces cysteine, which is neutral and slightly polar, with tyrosine, which is neutral and polar, at codon 707 of the LAMC3 protein (p.Cys707Tyr). This variant is not present in population databases (gnomAD no frequency). This variant has not been reported in the literature in individuals affected with LAMC3-related conditions. ClinVar contains an entry for this variant (Variation ID: 1500798). An algorithm developed to predict the effect of missense changes on protein structure and function (PolyPhen-2) suggests that this variant is likely to be disruptive. In summary, the available evidence is currently insufficient to determine the role of this variant in disease. Therefore, it has been classified as a Variant of Uncertain Significance.

NM_006059.4(LAMC3):c.2120G>A (p.Cys707Tyr)

Gene: LAMC3 (laminin subunit gamma 3; plus strand). Cytogenetic location: 9q34.12.
Variant type: single nucleotide variant.
Coding change: c.2120G>A on transcript NM_006059.4 (MANE Select); coding-DNA position 2120, G replaced by A.
Protein change: p.Cys707Tyr; replaces cysteine 707 with tyrosine.
Molecular consequence: missense variant.
Genome position (GRCh38, 1-based): chr9:131,057,109, G>A. VCF-style: chr9-131057109-G-A. GRCh37 (hg19) VCF-style: chr9-133932496-G-A.
Other names: short protein forms C707Y.
Identifiers: ClinVar variation 1500798 (VCV001500798.6), dbSNP rs1372053801, ClinGen allele CA375266309.